The following is an entry in ClinVar:

ClinVar aggregate classification (germline): Uncertain significance (1 of 4 stars; one submission).

Conditions:
Neuropathy, hereditary sensory and autonomic, type 2A (HSAN2A). Also called: HSAN IIA; WNK1-Related HSAN2 (HSAN2A); ACROOSTEOLYSIS, GIACCAI TYPE; ACROOSTEOLYSIS, NEUROGENIC; MORVAN DISEASE; NEUROPATHY, CONGENITAL SENSORY. Identifiers: Orphanet 970, MedGen C2752089, MONDO:0024309, OMIM 201300.
Pseudohypoaldosteronism type 2C (PHA2C). Also called: Pseudohypoaldosteronism Type IIC. Identifiers: Orphanet 757, Orphanet 88940, MedGen C1840391, MONDO:0013778, OMIM 614492.

Submission:

Labcorp Genetics (formerly Invitae), Labcorp
Classification: Uncertain significance for Neuropathy, hereditary sensory and autonomic, type 2A; Pseudohypoaldosteronism type 2C. Last evaluated: 2022-05-21. Review status: criteria provided, single submitter. Criteria: Invitae Variant Classification Sherloc (09022015). Collection method: clinical testing. Allele origin: germline.
Comment: In summary, the available evidence is currently insufficient to determine the role of this variant in disease. Therefore, it has been classified as a Variant of Uncertain Significance. Advanced modeling of protein sequence and biophysical properties (such as structural, functional, and spatial information, amino acid conservation, physicochemical variation, residue mobility, and thermodynamic stability) performed at Invitae indicates that this missense variant is not expected to disrupt WNK1 protein function. This variant has not been reported in the literature in individuals affected with WNK1-related conditions. This variant is not present in population databases (gnomAD no frequency). This sequence change replaces serine, which is neutral and polar, with alanine, which is neutral and non-polar, at codon 1537 of the WNK1 protein (p.Ser1537Ala).

NM_018979.4(WNK1):c.3853T>G (p.Ser1285Ala)

Gene: WNK1 (WNK lysine deficient protein kinase 1; plus strand). Cytogenetic location: 12p13.33.
Variant type: single nucleotide variant.
Coding change: c.3853T>G on transcript NM_018979.4 (MANE Select); coding-DNA position 3853, T replaced by G.
Protein change: p.Ser1285Ala; replaces serine 1285 with alanine.
Molecular consequence: missense variant.
Genome position (GRCh38, 1-based): chr12:884,657, T>G. VCF-style: chr12-884657-T-G. GRCh37 (hg19) VCF-style: chr12-993823-T-G.
Other names: c.4633T>G, p.Ser1545Ala (NM_001184985.2); c.3112T>G, p.Ser1038Ala (NM_014823.3); c.4609T>G, p.Ser1537Ala (NM_213655.5); short protein forms S1285A, S1545A, S1537A, S1038A.
Identifiers: ClinVar variation 1987047 (VCV001987047.4), dbSNP rs2549037494, ClinGen allele CA383330040.